The following is an entry in ClinVar:

NM_006420.3(ARFGEF2):c.81C>G (p.Pro27=)

Genes: ARFGEF2 (ARF guanine nucleotide exchange factor 2; plus strand), LOC130066081 (ATAC-STARR-seq lymphoblastoid silent region 12992; plus strand). Cytogenetic location: 20q13.13.
Variant type: single nucleotide variant.
Coding change: c.81C>G on transcript NM_006420.3 (MANE Select); coding-DNA position 81, C replaced by G.
Protein change: p.Pro27=; no amino-acid change (proline 27 retained).
Molecular consequence: synonymous variant.
Genome position (GRCh38, 1-based): chr20:48,921,970, C>G. VCF-style: chr20-48921970-C-G. GRCh37 (hg19) VCF-style: chr20-47538507-C-G.
Identifiers: ClinVar variation 707703 (VCV000707703.12), dbSNP rs368957600, ClinGen allele CA9898039.

ClinVar aggregate classification (germline): Benign/Likely benign. Review status: criteria provided, multiple submitters, no conflicts (2 of 4 stars). 3 submissions from 3 submitters: Benign (1); Likely benign (1). 1 of the submissions does not count toward it. Last evaluated 2025-09-03.

Conditions:
ARFGEF2-related disorder. Also called: ARFGEF2-related condition.

Allele frequency attached by ClinVar (database versions not stated): gnomAD exomes 0.00009 and 0.00022; gnomAD 0.00013 and 0.00015; TOPMed 0.00015; 1000 Genomes Project 30x 0.00031; 1000 Genomes Project 0.00040; ExAC 0.00050.
gnomAD v4.1: 192 of 1,577,208 alleles (0.012%); highest among the groups gnomAD compares: East Asian, 0.33%; 1 homozygote.

Submissions (3):

Labcorp Genetics (formerly Invitae), Labcorp
Classification: Benign. Last evaluated: 2025-09-03. Review status: criteria provided, single submitter. Criteria: Invitae Variant Classification Sherloc (09022015). Collection method: clinical testing. Allele origin: germline.

Blueprint Genetics
Classification: Likely benign. Last evaluated: 2024-11-08. Review status: criteria provided, single submitter. Criteria: ACMG Guidelines, 2015. Collection method: clinical testing. Allele origin: germline.

PreventionGenetics, part of Exact Sciences
Classification: Likely benign for ARFGEF2-related condition. Last evaluated: 2019-11-26. Review status: no assertion criteria provided. Collection method: clinical testing. Allele origin: germline. Not counted in ClinVar's aggregate classification.
Comment: This variant is classified as likely benign based on ACMG/AMP sequence variant interpretation guidelines (Richards et al. 2015 PMID: 25741868, with internal and published modifications).